The following is an entry in ClinVar:

NM_001042492.3(NF1):c.3991A>G (p.Ser1331Gly)

Gene: NF1 (neurofibromin 1; plus strand). Cytogenetic location: 17q11.2.
Variant type: single nucleotide variant.
Coding change: c.3991A>G on transcript NM_001042492.3 (MANE Select); coding-DNA position 3991, A replaced by G.
Protein change: p.Ser1331Gly; replaces serine 1331 with glycine.
Molecular consequence: missense variant.
Genome position (GRCh38, 1-based): chr17:31,249,000, A>G. VCF-style: chr17-31249000-A-G. GRCh37 (hg19) VCF-style: chr17-29576018-A-G.
Other names: c.3991A>G, p.Ser1331Gly (NM_000267.4); short protein forms S1331G.
Identifiers: ClinVar variation 527435 (VCV000527435.8), dbSNP rs1411796317, ClinGen allele CA398994840.

ClinVar aggregate classification (germline): Uncertain significance. Review status: criteria provided, multiple submitters, no conflicts (2 of 4 stars). 2 submissions from 2 submitters: Uncertain significance (2). Last evaluated 2024-03-13.

Conditions:
Cardiovascular phenotype. Identifiers: MedGen CN230736.
Hereditary cancer-predisposing syndrome. Also called: Neoplastic Syndromes, Hereditary; Tumor predisposition; Hereditary neoplastic syndrome; Hereditary Cancer Syndrome. Identifiers: Orphanet 140162, MedGen C0027672, MeSH D009386, MONDO:0015356.
Neurofibromatosis, type 1 (NF1). Also called: VON RECKLINGHAUSEN DISEASE; NEUROFIBROMATOSIS, TYPE I, SOMATIC; Peripheral type neurofibromatosis; Neurofibromatosis, type I. Identifiers: Orphanet 636, MedGen C0027831, MONDO:0018975, OMIM 162200. Disease mechanism: loss of function.

Allele frequency attached by ClinVar (database versions not stated): gnomAD exomes below 0.00001.
gnomAD v4.1: 1 of 1,614,090 alleles (0.000062%); highest among the groups gnomAD compares: Admixed American, 0.0017%; no homozygotes.

Submissions (2):

Labcorp Genetics (formerly Invitae), Labcorp
Classification: Uncertain significance for Neurofibromatosis, type 1. Last evaluated: 2024-03-13. Review status: criteria provided, single submitter. Criteria: Invitae Variant Classification Sherloc (09022015). Collection method: clinical testing. Allele origin: germline.
Comment: This sequence change replaces serine, which is neutral and polar, with glycine, which is neutral and non-polar, at codon 1331 of the NF1 protein (p.Ser1331Gly). This variant is present in population databases (no rsID available, gnomAD 0.003%). This variant has not been reported in the literature in individuals affected with NF1-related conditions. ClinVar contains an entry for this variant (Variation ID: 527435). Advanced modeling of protein sequence and biophysical properties (such as structural, functional, and spatial information, amino acid conservation, physicochemical variation, residue mobility, and thermodynamic stability) has been performed at Invitae for this missense variant, however the output from this modeling did not meet the statistical confidence thresholds required to predict the impact of this variant on NF1 protein function. In summary, the available evidence is currently insufficient to determine the role of this variant in disease. Therefore, it has been classified as a Variant of Uncertain Significance.

Ambry Genetics
Classification: Uncertain significance for Cardiovascular phenotype; Hereditary cancer-predisposing syndrome. Last evaluated: 2021-08-20. Review status: criteria provided, single submitter. Criteria: Ambry Variant Classification Scheme 2023. Collection method: clinical testing. Allele origin: germline.
Comment: The p.S1331G variant (also known as c.3991A>G), located in coding exon 30 of the NF1 gene, results from an A to G substitution at nucleotide position 3991. The serine at codon 1331 is replaced by glycine, an amino acid with similar properties. This amino acid position is not well conserved in available vertebrate species. In addition, this alteration is predicted to be tolerated by in silico analysis. Since supporting evidence is limited at this time, the clinical significance of this alteration remains unclear.